The following is an entry in ClinVar:

ClinVar aggregate classification (germline): Likely benign. Review status: criteria provided, single submitter (1 of 4 stars). 2 submissions from 2 submitters: Likely benign (1). 1 of the submissions does not count toward it. Last evaluated 2025-01-27.

Conditions:
BBS9-related disorder. Also called: BBS9-related condition.
Bardet-Biedl syndrome (BBS). Identifiers: Orphanet 110, MedGen C0752166, MONDO:0015229.

Allele frequency attached by ClinVar (database versions not stated): gnomAD 0.00001; gnomAD exomes 0.00001 and 0.00003; ExAC 0.00002; TOPMed 0.00002.
gnomAD v4.1: 8 of 1,612,318 alleles (0.0005%); highest among the groups gnomAD compares: Admixed American, 0.012%; no homozygotes.

Submissions (2):

Labcorp Genetics (formerly Invitae), Labcorp
Classification: Likely benign for Bardet-Biedl syndrome. Last evaluated: 2025-01-27. Review status: criteria provided, single submitter. Criteria: Invitae Variant Classification Sherloc (09022015). Collection method: clinical testing. Allele origin: germline.

PreventionGenetics, part of Exact Sciences
Classification: Likely benign for BBS9-related condition. Last evaluated: 2022-03-09. Review status: no assertion criteria provided. Collection method: clinical testing. Allele origin: germline. Not counted in ClinVar's aggregate classification.
Comment: This variant is classified as likely benign based on ACMG/AMP sequence variant interpretation guidelines (Richards et al. 2015 PMID: 25741868, with internal and published modifications).

NM_198428.3(BBS9):c.954G>A (p.Val318=)

Gene: BBS9 (Bardet-Biedl syndrome 9; plus strand). Cytogenetic location: 7p14.3.
Variant type: single nucleotide variant.
Coding change: c.954G>A on transcript NM_198428.3 (MANE Select); coding-DNA position 954, G replaced by A.
Protein change: p.Val318=; no amino-acid change (valine 318 retained).
Molecular consequence: synonymous variant. On other transcripts: non-coding transcript variant (3).
Genome position (GRCh38, 1-based): chr7:33,273,894, G>A. VCF-style: chr7-33273894-G-A. GRCh37 (hg19) VCF-style: chr7-33313506-G-A.
Other names: c.954G>A, p.Val318= (NM_001033604.2, NM_001033605.2, NM_001348036.1 and 5 more transcripts); c.588G>A, p.Val196= (NM_001348037.3, NM_001348044.3, NM_001348045.3 and 1 more transcripts); c.681G>A, p.Val227= (NM_001348038.3, NM_001348039.3); c.819G>A, p.Val273= (NM_001348042.3); c.954G>A (NM_198428.2).
Identifiers: ClinVar variation 1587666 (VCV001587666.10), dbSNP rs774067100, ClinGen allele CA4214151.